The following is an entry in ClinVar:

NM_000321.3(RB1):c.2134T>A (p.Cys712Ser)

Gene: RB1 (RB transcriptional corepressor 1; plus strand). Cytogenetic location: 13q14.2.
Variant type: single nucleotide variant.
Coding change: c.2134T>A on transcript NM_000321.3 (MANE Select); coding-DNA position 2134, T replaced by A.
Protein change: p.Cys712Ser; replaces cysteine 712 with serine.
Molecular consequence: missense variant.
Genome position (GRCh38, 1-based): chr13:48,463,758, T>A. VCF-style: chr13-48463758-T-A. GRCh37 (hg19) VCF-style: chr13-49037894-T-A.
Other names: short protein forms C712S.
Identifiers: ClinVar variation 1517836 (VCV001517836.8), dbSNP rs137853296, ClinGen allele CA388167062.

ClinVar aggregate classification (germline): Uncertain significance (1 of 4 stars; one submission).

Conditions:
Retinoblastoma (RB1). Also called: RETINOBLASTOMA, SOMATIC. Identifiers: Orphanet 790, MedGen C0035335, MeSH D012175, MONDO:0008380, OMIM 180200, HP:0009919. Disease mechanism: loss of function. Inheritance: Both sporadic and heritable forms are tested..

Submission:

Labcorp Genetics (formerly Invitae), Labcorp
Classification: Uncertain significance for Retinoblastoma. Last evaluated: 2021-04-11. Review status: criteria provided, single submitter. Criteria: Invitae Variant Classification Sherloc (09022015). Collection method: clinical testing. Allele origin: germline.
Comment: In summary, the available evidence is currently insufficient to determine the role of this variant in disease. Therefore, it has been classified as a Variant of Uncertain Significance. This variant disrupts the p.Cys712 amino acid residue in RB1. Other variant(s) that disrupt this residue have been determined to be pathogenic (PMID: 9671401, 10671068, 11668642, 22084214). This suggests that this residue is clinically significant, and that variants that disrupt this residue are likely to be disease-causing. Algorithms developed to predict the effect of missense changes on protein structure and function (SIFT, PolyPhen-2, Align-GVGD) all suggest that this variant is likely to be disruptive, but these predictions have not been confirmed by published functional studies and their clinical significance is uncertain. This variant has not been reported in the literature in individuals with RB1-related conditions. This variant is not present in population databases (ExAC no frequency). This sequence change replaces cysteine with serine at codon 712 of the RB1 protein (p.Cys712Ser). The cysteine residue is highly conserved and there is a moderate physicochemical difference between cysteine and serine.

Literature cited by the submitters: PubMed 9671401; PubMed 10671068; PubMed 11668642; PubMed 22084214.